The following is an entry in ClinVar:

NM_001170629.2(CHD8):c.7523A>G (p.His2508Arg)

Gene: CHD8 (chromodomain helicase DNA binding protein 8; minus strand). Cytogenetic location: 14q11.2.
Variant type: single nucleotide variant.
Coding change: c.7523A>G on transcript NM_001170629.2 (MANE Select); coding-DNA position 7523, A replaced by G.
Protein change: p.His2508Arg; replaces histidine 2508 with arginine.
Molecular consequence: missense variant.
Genome position (GRCh38, 1-based): chr14:21,385,836, T>C on the plus strand (A>G on the coding strand, the complement: CHD8 is on the minus strand). VCF-style: chr14-21385836-T-C. GRCh37 (hg19) VCF-style: chr14-21853995-T-C.
Other names: c.6686A>G, p.His2229Arg (NM_020920.4); short protein forms H2229R, H2508R.
Identifiers: ClinVar variation 3610978 (VCV003610978.2).
Genomic context (GRCh38, chr14:21,385,836, plus strand): 5'-GTAGTACCAGAGGCGGTAGTCACTGGTGAAGAGGGGTAGCCAGGGGCTCTCAAGCCTGGA[T>C]GGTGATGGTGGTGATGGTGGGGGTGGGGGTGGTGGTGGTGGTGATGAAGCATGGTGCTGG-3'
Protein context (NP_001164100.1, residues 2498-2518): HPHPHHHHHH[His2508Arg]PGLRAPGYPS

ClinVar aggregate classification (germline): Uncertain significance (1 of 4 stars; one submission).

gnomAD v4.1: 5 of 1,270,908 alleles (0.00039%); highest among the groups gnomAD compares: Non-Finnish European, 0.00041%; no homozygotes.

Submission:

Labcorp Genetics (formerly Invitae), Labcorp
Classification: Uncertain significance. Last evaluated: 2024-10-30. Review status: criteria provided, single submitter. Criteria: Invitae Variant Classification Sherloc (09022015). Collection method: clinical testing. Allele origin: germline.
Comment: This sequence change replaces histidine, which is basic and polar, with arginine, which is basic and polar, at codon 2508 of the CHD8 protein (p.His2508Arg). The frequency data for this variant in the population databases is considered unreliable, as metrics indicate poor data quality at this position in the gnomAD database. This variant has not been reported in the literature in individuals affected with CHD8-related conditions. Invitae Evidence Modeling of protein sequence and biophysical properties (such as structural, functional, and spatial information, amino acid conservation, physicochemical variation, residue mobility, and thermodynamic stability) indicates that this missense variant is not expected to disrupt CHD8 protein function with a negative predictive value of 95%. In summary, the available evidence is currently insufficient to determine the role of this variant in disease. Therefore, it has been classified as a Variant of Uncertain Significance.